The following is an entry in ClinVar:

NM_001134363.3(RBM20):c.1289A>G (p.His430Arg)

Gene: RBM20 (RNA binding motif protein 20; plus strand). Cytogenetic location: 10q25.2.
Variant type: single nucleotide variant.
Coding change: c.1289A>G on transcript NM_001134363.3 (MANE Select); coding-DNA position 1289, A replaced by G.
Protein change: p.His430Arg; replaces histidine 430 with arginine.
Molecular consequence: missense variant.
Genome position (GRCh38, 1-based): chr10:110,783,379, A>G. VCF-style: chr10-110783379-A-G. GRCh37 (hg19) VCF-style: chr10-112543137-A-G.
Other names: short protein forms H430R.
Identifiers: ClinVar variation 1383855 (VCV001383855.6), dbSNP rs2135048055, ClinGen allele CA378387013.
Genomic context (GRCh38, chr10:110,783,379, plus strand): 5'-CATGGACTCAGTTCTACTTTGGTCACTTTTCTTTCCTTCTGACCTAGGACTGGGAGCTGC[A>G]TGTGAAAGGGAAGCTGCACGCTCAGAAATGCCTGGTCTTCTCTGAAAAGTAAGTGCTGTT-3'
Protein context (NP_001127835.2, residues 420-440): KVFDLKDWEL[His430Arg]VKGKLHAQKC

ClinVar aggregate classification (germline): Uncertain significance (1 of 4 stars; one submission).

Conditions:
Dilated cardiomyopathy 1DD (CMD1DD). Identifiers: Orphanet 154, MedGen C2750995, MONDO:0013168, OMIM 613172.

Submission:

Labcorp Genetics (formerly Invitae), Labcorp
Classification: Uncertain significance for Dilated cardiomyopathy 1DD. Last evaluated: 2021-10-24. Review status: criteria provided, single submitter. Criteria: Invitae Variant Classification Sherloc (09022015). Collection method: clinical testing. Allele origin: germline.
Comment: This variant has not been reported in the literature in individuals affected with RBM20-related conditions. This sequence change replaces histidine with arginine at codon 430 of the RBM20 protein (p.His430Arg). The histidine residue is weakly conserved and there is a small physicochemical difference between histidine and arginine. This variant is not present in population databases (ExAC no frequency). Advanced modeling of protein sequence and biophysical properties (such as structural, functional, and spatial information, amino acid conservation, physicochemical variation, residue mobility, and thermodynamic stability) performed at Invitae indicates that this missense variant is expected to disrupt RBM20 protein function. In summary, the available evidence is currently insufficient to determine the role of this variant in disease. Therefore, it has been classified as a Variant of Uncertain Significance.